The following is an entry in ClinVar:

NM_153033.5(KCTD7):c.217G>A (p.Glu73Lys)

Gene: KCTD7 (potassium channel tetramerization domain containing 7; plus strand). Cytogenetic location: 7q11.21.
Variant type: single nucleotide variant.
Coding change: c.217G>A on transcript NM_153033.5 (MANE Select); coding-DNA position 217, G replaced by A.
Protein change: p.Glu73Lys; replaces glutamic acid 73 with lysine.
Molecular consequence: missense variant.
Genome position (GRCh38, 1-based): chr7:66,633,347, G>A. VCF-style: chr7-66633347-G-A. GRCh37 (hg19) VCF-style: chr7-66098334-G-A.
Other names: c.217G>A, p.Glu73Lys (NM_001167961.2); short protein forms E73K.
Identifiers: ClinVar variation 855614 (VCV000855614.11), dbSNP rs772773351, ClinGen allele CA4278201.

ClinVar aggregate classification (germline): Uncertain significance. Review status: criteria provided, multiple submitters, no conflicts (2 of 4 stars). 2 submissions from 2 submitters: Uncertain significance (2). Last evaluated 2023-11-04.

Conditions:
Progressive myoclonic epilepsy type 3. Also called: KCTD7-Related Progressive Myoclonic Epilepsy; EPILEPSY, PROGRESSIVE MYOCLONIC, 3, WITH OR WITHOUT INTRACELLULAR INCLUSIONS; EPILEPSY, PROGRESSIVE MYOCLONIC, 3, WITHOUT INTRACELLULAR INCLUSIONS; CEROID LIPOFUSCINOSIS, NEURONAL, 14. Identifiers: Orphanet 263516, MedGen C2673257, MONDO:0012721, OMIM 611726.

Allele frequency attached by ClinVar (database versions not stated): ExAC 0.00001; gnomAD exomes 0.00001 and 0.00002; TOPMed 0.00003; gnomAD 0.00004.
gnomAD v4.1: 35 of 1,613,822 alleles (0.0022%); highest among the groups gnomAD compares: Non-Finnish European, 0.0028%; no homozygotes.

Submissions (2):

Labcorp Genetics (formerly Invitae), Labcorp
Classification: Uncertain significance for Progressive myoclonic epilepsy type 3. Last evaluated: 2023-11-04. Review status: criteria provided, single submitter. Criteria: Invitae Variant Classification Sherloc (09022015). Collection method: clinical testing. Allele origin: germline.
Comment: This sequence change replaces glutamic acid, which is acidic and polar, with lysine, which is basic and polar, at codon 73 of the KCTD7 protein (p.Glu73Lys). This variant is present in population databases (rs772773351, gnomAD 0.002%). This variant has not been reported in the literature in individuals affected with KCTD7-related conditions. ClinVar contains an entry for this variant (Variation ID: 855614). Advanced modeling of protein sequence and biophysical properties (such as structural, functional, and spatial information, amino acid conservation, physicochemical variation, residue mobility, and thermodynamic stability) performed at Invitae indicates that this missense variant is not expected to disrupt KCTD7 protein function with a negative predictive value of 80%. In summary, the available evidence is currently insufficient to determine the role of this variant in disease. Therefore, it has been classified as a Variant of Uncertain Significance.

GeneDx
Classification: Uncertain significance. Last evaluated: 2023-03-28. Review status: criteria provided, single submitter. Criteria: GeneDx Variant Classification Process June 2021. Collection method: clinical testing. Allele origin: germline. Affected: yes.
Comment: Not observed at significant frequency in large population cohorts (gnomAD); In silico analysis supports that this missense variant does not alter protein structure/function; Has not been previously published as pathogenic or benign to our knowledge